The following is an entry in ClinVar:

NM_004456.5(EZH2):c.1246A>G (p.Asn416Asp)

Gene: EZH2 (enhancer of zeste 2 polycomb repressive complex 2 subunit; minus strand). Cytogenetic location: 7q36.1.
Variant type: single nucleotide variant.
Coding change: c.1246A>G on transcript NM_004456.5 (MANE Select); coding-DNA position 1246, A replaced by G.
Protein change: p.Asn416Asp; replaces asparagine 416 with aspartic acid.
Molecular consequence: missense variant.
Genome position (GRCh38, 1-based): chr7:148,817,386, T>C on the plus strand (A>G on the coding strand, the complement: EZH2 is on the minus strand). VCF-style: chr7-148817386-T-C. GRCh37 (hg19) VCF-style: chr7-148514478-T-C.
Other names: c.1231A>G, p.Asn411Asp (NM_001203247.2); c.1204A>G, p.Asn402Asp (NM_001203248.2, NM_001203249.2); c.1114A>G, p.Asn372Asp (NM_152998.3); short protein forms N372D, N402D, N411D, N416D.
Identifiers: ClinVar variation 2989387 (VCV002989387.4), dbSNP rs1804827959, ClinGen allele CA369715595.

ClinVar aggregate classification (germline): Uncertain significance. Review status: criteria provided, multiple submitters, no conflicts (2 of 4 stars). 2 submissions from 2 submitters: Uncertain significance (2). Last evaluated 2025-11-24.

Conditions:
Inborn genetic diseases. Identifiers: MedGen C0950123, MeSH D030342.
Weaver syndrome (WVS). Also called: Weaver Smith syndrome; Overgrowth syndrome with accelerated skeletal maturation, unusual facies, and camptodactyly. Identifiers: Orphanet 3447, MedGen C0265210, MONDO:0010193, OMIM 277590.

Allele frequency attached by ClinVar (database versions not stated): gnomAD exomes below 0.00001.
gnomAD v4.1: 1 of 1,612,416 alleles (0.000062%); highest among the groups gnomAD compares: Non-Finnish European, 0.000085%; no homozygotes.

Submissions (2):

Labcorp Genetics (formerly Invitae), Labcorp
Classification: Uncertain significance for Weaver syndrome. Last evaluated: 2025-11-24. Review status: criteria provided, single submitter. Criteria: Invitae Variant Classification Sherloc (09022015). Collection method: clinical testing. Allele origin: germline.
Comment: This sequence change replaces asparagine, which is neutral and polar, with aspartic acid, which is acidic and polar, at codon 416 of the EZH2 protein (p.Asn416Asp). This variant is not present in population databases (gnomAD no frequency). This variant has not been reported in the literature in individuals affected with EZH2-related conditions. ClinVar contains an entry for this variant (Variation ID: 2989387). Invitae Evidence Modeling of protein sequence and biophysical properties (such as structural, functional, and spatial information, amino acid conservation, physicochemical variation, residue mobility, and thermodynamic stability) indicates that this missense variant is not expected to disrupt EZH2 protein function with a negative predictive value of 80%. In summary, the available evidence is currently insufficient to determine the role of this variant in disease. Therefore, it has been classified as a Variant of Uncertain Significance.

Ambry Genetics
Classification: Uncertain significance for Inborn genetic diseases. Last evaluated: 2025-04-18. Review status: criteria provided, single submitter. Criteria: Ambry Variant Classification Scheme 2023. Collection method: clinical testing. Allele origin: germline.